The following is an entry in ClinVar:

ClinVar aggregate classification (germline): Uncertain significance (1 of 4 stars; one submission).

Conditions:
Myoclonic dystonia 11 (DYT11). Also called: DYT-SGCE; Myoclonic dystonia; Dystonia 11; Dystonia, alcohol responsive; Hereditary essential myoclonus; SGCE Myoclonus-Dystonia. Identifiers: Orphanet 36899, MedGen C1834570, MONDO:0008044, OMIM 159900.

Submission:

Labcorp Genetics (formerly Invitae), Labcorp
Classification: Uncertain significance for Myoclonic dystonia 11. Last evaluated: 2020-03-18. Review status: criteria provided, single submitter. Criteria: Invitae Variant Classification Sherloc (09022015). Collection method: clinical testing. Allele origin: germline.
Comment: This variant is not present in population databases (ExAC no frequency). This sequence change falls in intron 4 of the SGCE gene. It does not directly change the encoded amino acid sequence of the SGCE protein, but it affects a nucleotide within the consensus splice site of the intron. This variant has not been reported in the literature in individuals with SGCE-related conditions. In summary, the available evidence is currently insufficient to determine the role of this variant in disease. Therefore, it has been classified as a Variant of Uncertain Significance. Nucleotide substitutions within the consensus splice site are a relatively common cause of aberrant splicing (PMID: 17576681, 9536098). Algorithms developed to predict the effect of sequence changes on RNA splicing suggest that this variant may disrupt the consensus splice site, but this prediction has not been confirmed by published transcriptional studies.

Literature cited by the submitters: PubMed 17576681; PubMed 9536098.

NM_003919.3(SGCE):c.463+5G>C

Genes: CASD1 (CAS1 domain sialic acid O acetyltransferase 1; plus strand), SGCE (sarcoglycan epsilon; minus strand). Cytogenetic location: 7q21.3.
Variant type: single nucleotide variant.
Coding change: c.463+5G>C on transcript NM_003919.3 (MANE Select); 5 bases into the intron after coding-DNA position 463, G replaced by C.
Molecular consequence: intron variant.
Genome position (GRCh38, 1-based): chr7:94,623,320, C>G on the plus strand (G>C on the coding strand, the complement: SGCE is on the minus strand). VCF-style: chr7-94623320-C-G. GRCh37 (hg19) VCF-style: chr7-94252632-C-G.
Other names: c.340+5G>C (NM_001362809.2, NM_001301139.2); c.463+5G>C (NM_001346717.2, NM_001099400.2, NM_001099401.2); c.571+5G>C (NM_001346715.2, NM_001346713.2); c.376+5G>C (NM_001362807.2, NM_001346719.2); c.190+5G>C (NM_001362808.2, NM_001346720.2).
Identifiers: ClinVar variation 1040412 (VCV001040412.6), dbSNP rs1210401434, ClinGen allele CA1726863227.